The following is an entry in ClinVar:

ClinVar aggregate classification (germline): Uncertain significance (1 of 4 stars; one submission).

Conditions:
Early-infantile DEE. Also called: Early infantile epileptic encephalopathy; Ohtahara syndrome; Early infantile epileptic encephalopathy with suppression bursts. Identifiers: Orphanet 1934, MedGen C0393706, MONDO:0800491.

Submission:

Labcorp Genetics (formerly Invitae), Labcorp
Classification: Uncertain significance for Early-infantile DEE. Last evaluated: 2021-11-06. Review status: criteria provided, single submitter. Criteria: Invitae Variant Classification Sherloc (09022015). Collection method: clinical testing. Allele origin: germline.
Comment: In summary, the available evidence is currently insufficient to determine the role of this variant in disease. Therefore, it has been classified as a Variant of Uncertain Significance. Variants that disrupt the consensus splice site are a relatively common cause of aberrant splicing (PMID: 17576681, 9536098). Algorithms developed to predict the effect of sequence changes on RNA splicing suggest that this variant is not likely to affect RNA splicing. This variant has not been reported in the literature in individuals affected with SCN1A-related conditions. This variant is not present in population databases (gnomAD no frequency). This sequence change falls in intron 9 of the SCN1A gene. It does not directly change the encoded amino acid sequence of the SCN1A protein. It affects a nucleotide within the consensus splice site.

Literature cited by the submitters: PubMed 17576681; PubMed 9536098.

NM_001165963.4(SCN1A):c.1377+6G>T

Gene: SCN1A (sodium voltage-gated channel alpha subunit 1; minus strand). Cytogenetic location: 2q24.3.
Variant type: single nucleotide variant.
Coding change: c.1377+6G>T on transcript NM_001165963.4 (MANE Select); 6 bases into the intron after coding-DNA position 1377, G replaced by T.
Molecular consequence: intron variant.
Genome position (GRCh38, 1-based): chr2:166,046,764, C>A on the plus strand (G>T on the coding strand, the complement: SCN1A is on the minus strand). VCF-style: chr2-166046764-C-A. GRCh37 (hg19) VCF-style: chr2-166903274-C-A.
Other names: c.1377+6G>T (NM_001353949.2, NM_001353958.2, NM_001353950.2 and 10 more transcripts); c.-1049+6G>T (NM_001353961.2).
Identifiers: ClinVar variation 1368174 (VCV001368174.7), dbSNP rs1574233195, ClinGen allele CA2573133542.